The following is an entry in ClinVar:

NM_020822.3(KCNT1):c.3177+18_3177+19delinsTT

Gene: KCNT1 (potassium sodium-activated channel subfamily T member 1; plus strand). Cytogenetic location: 9q34.3.
Variant type: Indel.
Coding change: c.3177+18_3177+19delinsTT on transcript NM_020822.3 (MANE Select); bases 18 to 19 of the intron after coding-DNA position 3177, GC replaced by TT.
Molecular consequence: intron variant.
Genome position (GRCh38, 1-based): chr9:135,785,348-135,785,349, GC replaced by TT. VCF-style: chr9-135785348-GC-TT. GRCh37 (hg19) VCF-style: chr9-138677194-GC-TT.
Other names: c.3042+18_3042+19delinsTT (NM_001272003.2).
Identifiers: ClinVar variation 3763717 (VCV003763717.2).
Genomic context (GRCh38, chr9:135,785,348, plus strand): 5'-ACTGCGCCTGTTTCCTTTGCAGCCCCACGACCTCAGAGCCCAGGTAAGCAACCCCTCCGT[GC>TT]CCACGCAGCTTCTGCGGAGCACCAGAACATCGCAGCTTCACATGGAGAAGCCTGCCAGGC-3'

ClinVar aggregate classification (germline): Uncertain significance (1 of 4 stars; one submission).

Conditions:
Autosomal dominant nocturnal frontal lobe epilepsy 5. Also called: Epilepsy, nocturnal frontal lobe, 5; KCNT1-Related Epilepsy; CILIARY DYSKINESIA, PRIMARY, 28, WITHOUT SITUS INVERSUS; CILIARY DYSKINESIA, PRIMARY, 28, WITH SITUS INVERSUS. Identifiers: Orphanet 98784, MedGen C3554306, MONDO:0014002, OMIM 615005.
Developmental and epileptic encephalopathy, 14 (DEE14). Also called: Early infantile epileptic encephalopathy 14. Identifiers: Orphanet 293181, MedGen C3554195, MONDO:0013989, OMIM 614959.

Submission:

Labcorp Genetics (formerly Invitae), Labcorp
Classification: Uncertain significance for Autosomal dominant nocturnal frontal lobe epilepsy 5; Developmental and epileptic encephalopathy, 14. Last evaluated: 2024-10-21. Review status: criteria provided, single submitter. Criteria: Invitae Variant Classification Sherloc (09022015). Collection method: clinical testing. Allele origin: germline.
Comment: This sequence change falls in intron 28 of the KCNT1 gene. It does not directly change the encoded amino acid sequence of the KCNT1 protein. Information on the frequency of this variant in the gnomAD database is not available, as this variant may be reported differently in the database. This variant has not been reported in the literature in individuals affected with KCNT1-related conditions. Experimental studies and prediction algorithms are not available or were not evaluated, and the effect of this variant on mRNA splicing is currently unknown. In summary, the available evidence is currently insufficient to determine the role of this variant in disease. Therefore, it has been classified as a Variant of Uncertain Significance.